The following is an entry in ClinVar:

NM_001379200.1(TBX1):c.1082C>T (p.Pro361Leu)

Gene: TBX1 (T-box transcription factor 1; plus strand). Cytogenetic location: 22q11.21.
Variant type: single nucleotide variant.
Coding change: c.1082C>T on transcript NM_001379200.1 (MANE Select); coding-DNA position 1082, C replaced by T.
Protein change: p.Pro361Leu; replaces proline 361 with leucine.
Molecular consequence: missense variant. On other transcripts: intron variant (2).
Genome position (GRCh38, 1-based): chr22:19,766,434, C>T. VCF-style: chr22-19766434-C-T. GRCh37 (hg19) VCF-style: chr22-19753957-C-T.
Other names: c.1055C>T, p.Pro352Leu (NM_080647.1); c.1009+432C>T (NM_005992.1, NM_080646.2); short protein forms P352L, P361L.
Identifiers: ClinVar variation 573382 (VCV000573382.11), dbSNP rs1001921296, ClinGen allele CA322058113.

ClinVar aggregate classification (germline): Uncertain significance. Review status: criteria provided, multiple submitters, no conflicts (2 of 4 stars). 3 submissions from 3 submitters: Uncertain significance (3). Last evaluated 2025-10-06.

Conditions:
DiGeorge syndrome. Also called: Catch22; THIRD AND FOURTH PHARYNGEAL POUCH SYNDROME. Identifiers: Orphanet 567, MedGen C0012236, MONDO:0008564, OMIM 188400.

Allele frequency attached by ClinVar (database versions not stated): gnomAD 0.00005; TOPMed 0.00005; gnomAD exomes 0.00010.
gnomAD v4.1: 51 of 1,349,320 alleles (0.0038%); highest among the groups gnomAD compares: Non-Finnish European, 0.0048%; no homozygotes.

Submissions (3):

Labcorp Genetics (formerly Invitae), Labcorp
Classification: Uncertain significance for DiGeorge syndrome. Last evaluated: 2025-10-06. Review status: criteria provided, single submitter. Criteria: Invitae Variant Classification Sherloc (09022015). Collection method: clinical testing. Allele origin: germline.
Comment: This sequence change replaces proline, which is neutral and non-polar, with leucine, which is neutral and non-polar, at codon 352 of the TBX1 protein (p.Pro352Leu). This variant is present in population databases (no rsID available, gnomAD 0.02%). This missense change has been observed in individual(s) with TBX1-related conditions (internal data). This missense change has been observed in at least one individual who was not affected with TBX1-related conditions (internal data). ClinVar contains an entry for this variant (Variation ID: 573382). An algorithm developed to predict the effect of missense changes on protein structure and function (PolyPhen-2) suggests that this variant is likely to be tolerated. In summary, the available evidence is currently insufficient to determine the role of this variant in disease. Therefore, it has been classified as a Variant of Uncertain Significance.

Women's Health and Genetics/Laboratory Corporation of America, LabCorp
Classification: Uncertain significance. Last evaluated: 2025-07-21. Review status: criteria provided, single submitter. Criteria: LabCorp Variant Classification Summary - May 2015. Collection method: clinical testing. Allele origin: germline.
Comment: Variant summary: TBX1 c.1055C>T (p.Pro352Leu) results in a non-conservative amino acid change in the encoded protein sequence. Algorithms developed to predict the effect of missense changes on protein structure and function are either unavailable or do not agree on the potential impact of this missense change. The variant allele was found at a frequency of 0.0001 in 40124 control chromosomes. The available data on variant occurrences in the general population are insufficient to allow any conclusion about variant significance. c.1055C>T has been observed in individual(s) affected with TBX1-Related Disorders (Haddad_2019). These report(s) do not provide unequivocal conclusions about association of the variant with TBX1-Related Disorders. To our knowledge, no experimental evidence demonstrating an impact on protein function has been reported. The following publication has been ascertained in the context of this evaluation (PMID: 31428446). ClinVar contains an entry for this variant (Variation ID: 573382). Based on the evidence outlined above, the variant was classified as uncertain significance.

GeneDx
Classification: Uncertain significance. Last evaluated: 2019-08-28. Review status: criteria provided, single submitter. Criteria: GeneDx Variant Classification Process June 2021. Collection method: clinical testing. Allele origin: germline. Affected: yes.
Comment: In silico analysis, which includes protein predictors and evolutionary conservation, supports that this variant does not alter protein structure/function; This variant is associated with the following publications: (PMID: 31428446)

Literature cited by the submitters: PubMed 31428446 (cited by Women's Health and Genetics/Laboratory Corporation of America, LabCorp).